The following is an entry in ClinVar:

NM_001242957.3(MAK):c.1838G>A (p.Arg613His)

Gene: MAK (male germ cell associated kinase; minus strand). Cytogenetic location: 6p24.2.
Variant type: single nucleotide variant.
Coding change: c.1838G>A on transcript NM_001242957.3 (MANE Select); coding-DNA position 1838, G replaced by A.
Protein change: p.Arg613His; replaces arginine 613 with histidine.
Molecular consequence: missense variant. On other transcripts: non-coding transcript variant (2).
Genome position (GRCh38, 1-based): chr6:10,764,561, C>T on the plus strand (G>A on the coding strand, the complement: MAK is on the minus strand). VCF-style: chr6-10764561-C-T. GRCh37 (hg19) VCF-style: chr6-10764794-C-T.
Other names: c.1643G>A, p.Arg548His (NM_001242385.2); c.1541G>A, p.Arg514His (NM_001377262.1); c.1763G>A, p.Arg588His (NM_005906.6); short protein forms R588H, R613H, R514H, R548H.
Identifiers: ClinVar variation 1393941 (VCV001393941.3), dbSNP rs758636733, ClinGen allele CA3633328.

ClinVar aggregate classification (germline): Uncertain significance (1 of 4 stars; one submission).

Allele frequency attached by ClinVar (database versions not stated): gnomAD exomes below 0.00001 and 0.00001; ExAC 0.00001.
gnomAD v4.1: 9 of 1,613,996 alleles (0.00056%); highest among the groups gnomAD compares: East Asian, 0.0022%; no homozygotes.

Submission:

Labcorp Genetics (formerly Invitae), Labcorp
Classification: Uncertain significance. Last evaluated: 2022-09-06. Review status: criteria provided, single submitter. Criteria: Invitae Variant Classification Sherloc (09022015). Collection method: clinical testing. Allele origin: germline.
Comment: This sequence change replaces arginine, which is basic and polar, with histidine, which is basic and polar, at codon 613 of the MAK protein (p.Arg613His). This variant is not present in population databases (gnomAD no frequency). This variant has not been reported in the literature in individuals affected with MAK-related conditions. ClinVar contains an entry for this variant (Variation ID: 1393941). Advanced modeling of protein sequence and biophysical properties (such as structural, functional, and spatial information, amino acid conservation, physicochemical variation, residue mobility, and thermodynamic stability) performed at Invitae indicates that this missense variant is not expected to disrupt MAK protein function. In summary, the available evidence is currently insufficient to determine the role of this variant in disease. Therefore, it has been classified as a Variant of Uncertain Significance.